The following is an entry in ClinVar:

ClinVar aggregate classification (germline): Likely pathogenic (1 of 4 stars; one submission).

Conditions:
Neuromuscular disease caused by qualitative or quantitative defects of dysferlin. Also called: Qualitative or quantitative defects of dysferlin; Dysferlinopathy. Identifiers: Orphanet 207073, MedGen C2931687, MONDO:0016145.

Submission:

Labcorp Genetics (formerly Invitae), Labcorp
Classification: Likely pathogenic for Neuromuscular disease caused by qualitative or quantitative defects of dysferlin. Last evaluated: 2023-09-25. Review status: criteria provided, single submitter. Criteria: Invitae Variant Classification Sherloc (09022015). Collection method: clinical testing. Allele origin: germline.
Comment: In summary, the currently available evidence indicates that the variant is pathogenic, but additional data are needed to prove that conclusively. Therefore, this variant has been classified as Likely Pathogenic. Advanced modeling of protein sequence and biophysical properties (such as structural, functional, and spatial information, amino acid conservation, physicochemical variation, residue mobility, and thermodynamic stability) performed at Invitae indicates that this missense variant is expected to disrupt DYSF protein function. ClinVar contains an entry for this variant (Variation ID: 1968746). This missense change has been observed in individuals with limb-girdle muscular dystrophy (Invitae). This variant is not present in population databases (gnomAD no frequency). This sequence change replaces glycine, which is neutral and non-polar, with arginine, which is basic and polar, at codon 82 of the DYSF protein (p.Gly82Arg).

NM_001130987.2(DYSF):c.247G>C (p.Gly83Arg)

Gene: DYSF (dysferlin; plus strand). Cytogenetic location: 2p13.2.
Variant type: single nucleotide variant.
Coding change: c.247G>C on transcript NM_001130987.2 (MANE Select); coding-DNA position 247, G replaced by C.
Protein change: p.Gly83Arg; replaces glycine 83 with arginine.
Molecular consequence: missense variant.
Genome position (GRCh38, 1-based): chr2:71,503,221, G>C. VCF-style: chr2-71503221-G-C. GRCh37 (hg19) VCF-style: chr2-71730351-G-C.
Other names: c.247G>C, p.Gly83Arg (NM_001130455.2, NM_001130982.2, NM_001130983.2 and 3 more transcripts); c.244G>C, p.Gly82Arg (NM_001130976.2, NM_001130977.2, NM_001130978.2 and 4 more transcripts); short protein forms G83R, G82R.
Identifiers: ClinVar variation 1968746 (VCV001968746.5), dbSNP rs780227798, ClinGen allele CA347204115.